The following is an entry in ClinVar:

ClinVar aggregate classification (germline): Uncertain significance (1 of 4 stars; one submission).

Conditions:
Partial hypoxanthine-guanine phosphoribosyltransferase deficiency. Also called: GOUT, HPRT-RELATED; HPRT DEFICIENCY, PARTIAL; HYPOXANTHINE GUANINE PHOSPHORIBOSYLTRANSFERASE 1 DEFICIENCY, PARTIAL; Kelley-Seegmiller Syndrome; HPRT1 DEFICIENCY, PARTIAL. Identifiers: Orphanet 79233, MedGen C0268117, MONDO:0010299, OMIM 300323.
Lesch-Nyhan syndrome (LNS). Also called: HPRT DEFICIENCY, COMPLETE; Lesch-Nyhan Disease (LND). Identifiers: Orphanet 510, MedGen C0023374, MONDO:0010298, OMIM 300322.

gnomAD v4.1: 1 of 1,196,765 alleles (0.000084%); highest among the groups gnomAD compares: South Asian, 0.0018%; no homozygotes.

Submission:

Labcorp Genetics (formerly Invitae), Labcorp
Classification: Uncertain significance for Lesch-Nyhan syndrome; Partial hypoxanthine-guanine phosphoribosyltransferase deficiency. Last evaluated: 2022-10-31. Review status: criteria provided, single submitter. Criteria: Invitae Variant Classification Sherloc (09022015). Collection method: clinical testing. Allele origin: germline.
Comment: Algorithms developed to predict the effect of missense changes on protein structure and function (SIFT, PolyPhen-2, Align-GVGD) all suggest that this variant is likely to be tolerated. In summary, the available evidence is currently insufficient to determine the role of this variant in disease. Therefore, it has been classified as a Variant of Uncertain Significance. This variant has not been reported in the literature in individuals affected with HPRT1-related conditions. This variant is present in population databases (no rsID available, gnomAD 0.005%), including at least one homozygous and/or hemizygous individual. This sequence change replaces asparagine, which is neutral and polar, with serine, which is neutral and polar, at codon 26 of the HPRT1 protein (p.Asn26Ser).

NM_000194.3(HPRT1):c.77A>G (p.Asn26Ser)

Gene: HPRT1 (hypoxanthine phosphoribosyltransferase 1; plus strand). Cytogenetic location: Xq26.2.
Variant type: single nucleotide variant.
Coding change: c.77A>G on transcript NM_000194.3 (MANE Select); coding-DNA position 77, A replaced by G.
Protein change: p.Asn26Ser; replaces asparagine 26 with serine.
Molecular consequence: missense variant.
Genome position (GRCh38, 1-based): chrX:134,473,408, A>G. VCF-style: chrX-134473408-A-G. GRCh37 (hg19) VCF-style: chrX-133607438-A-G.
Other names: short protein forms N26S.
Identifiers: ClinVar variation 2941124 (VCV002941124.3), dbSNP rs762739119, ClinGen allele CA414711342.